The following is an entry in ClinVar:

ClinVar aggregate classification (germline): Conflicting classifications of pathogenicity. Review status: criteria provided, conflicting classifications (1 of 4 stars). 3 submissions from 3 submitters: Uncertain significance (2); Likely benign (1). Last evaluated 2025-05-16.

Conditions:
Hereditary cancer-predisposing syndrome. Also called: Neoplastic Syndromes, Hereditary; Tumor predisposition; Hereditary neoplastic syndrome; Hereditary Cancer Syndrome. Identifiers: Orphanet 140162, MedGen C0027672, MeSH D009386, MONDO:0015356.
Hereditary breast ovarian cancer syndrome. Also called: Hereditary breast and ovarian cancer syndrome; Hereditary breast and ovarian cancer; Hereditary breast and ovarian cancer syndrome (HBOC); Breast and ovarian cancer; Hereditary breast and/or ovarian cancer syndrome; BRCA1- and BRCA2-Associated Hereditary Breast and Ovarian Cancer. Identifiers: Orphanet 145, MedGen C0677776, MeSH D061325, MONDO:0003582. Disease mechanism: loss of function.

Allele frequency attached by ClinVar (database versions not stated): gnomAD exomes below 0.00001.
gnomAD v4.1: 2 of 1,614,132 alleles (0.00012%); highest among the groups gnomAD compares: East Asian, 0.0022%; no homozygotes.

Submissions (3):

Ambry Genetics
Classification: Likely benign for Hereditary cancer-predisposing syndrome. Last evaluated: 2025-05-16. Review status: criteria provided, single submitter. Criteria: Ambry Variant Classification Scheme 2023. Collection method: clinical testing. Allele origin: germline.

Labcorp Genetics (formerly Invitae), Labcorp
Classification: Uncertain significance for Hereditary breast ovarian cancer syndrome. Last evaluated: 2021-02-06. Review status: criteria provided, single submitter. Criteria: Invitae Variant Classification Sherloc (09022015). Collection method: clinical testing. Allele origin: germline.
Comment: This sequence change replaces isoleucine with threonine at codon 3169 of the BRCA2 protein (p.Ile3169Thr). The isoleucine residue is moderately conserved and there is a moderate physicochemical difference between isoleucine and threonine. This variant is not present in population databases (ExAC no frequency). This variant has not been reported in the literature in individuals with BRCA2-related conditions. ClinVar contains an entry for this variant (Variation ID: 630052). Advanced modeling of protein sequence and biophysical properties (such as structural, functional, and spatial information, amino acid conservation, physicochemical variation, residue mobility, and thermodynamic stability) performed at Invitae indicates that this missense variant is not expected to disrupt BRCA2 protein function. In summary, the available evidence is currently insufficient to determine the role of this variant in disease. Therefore, it has been classified as a Variant of Uncertain Significance.

Color Diagnostics, LLC DBA Color Health
Classification: Uncertain significance for Hereditary cancer-predisposing syndrome. Last evaluated: 2019-06-02. Review status: criteria provided, single submitter. Criteria: ACMG Guidelines, 2015. Collection method: clinical testing. Allele origin: germline.

NM_000059.4(BRCA2):c.9506T>C (p.Ile3169Thr)

Gene: BRCA2 (BRCA2 DNA repair associated; plus strand). Cytogenetic location: 13q13.1.
Variant type: single nucleotide variant.
Coding change: c.9506T>C on transcript NM_000059.4 (MANE Select); coding-DNA position 9506, T replaced by C.
Protein change: p.Ile3169Thr; replaces isoleucine 3169 with threonine.
Molecular consequence: missense variant.
Genome position (GRCh38, 1-based): chr13:32,396,902, T>C. VCF-style: chr13-32396902-T-C. GRCh37 (hg19) VCF-style: chr13-32971039-T-C.
Other names: short protein forms I3169T.
Identifiers: ClinVar variation 630052 (VCV000630052.14), dbSNP rs1244221685, ClinGen allele CA387762844.